The following is an entry in ClinVar:

ClinVar aggregate classification (germline): Pathogenic (1 of 4 stars; one submission).

Conditions:
Legius syndrome. Identifiers: Orphanet 137605, MedGen C1969623, MONDO:0012669, OMIM 611431. Disease mechanism: loss of function.

Submission:

Labcorp Genetics (formerly Invitae), Labcorp
Classification: Pathogenic for Legius syndrome. Last evaluated: 2024-06-15. Review status: criteria provided, single submitter. Criteria: Invitae Variant Classification Sherloc (09022015). Collection method: clinical testing. Allele origin: germline.
Comment: This sequence change creates a premature translational stop signal (p.Gly385Glufs*21) in the SPRED1 gene. While this is not anticipated to result in nonsense mediated decay, it is expected to disrupt the last 60 amino acid(s) of the SPRED1 protein. This variant is not present in population databases (gnomAD no frequency). This variant has not been reported in the literature in individuals affected with SPRED1-related conditions. This variant disrupts a region of the SPRED1 protein in which other variant(s) (p.Cys418Alafs*6) have been determined to be pathogenic (PMID: 19920235; Invitae). This suggests that this is a clinically significant region of the protein, and that variants that disrupt it are likely to be disease-causing. For these reasons, this variant has been classified as Pathogenic.

Literature cited by the submitters: PubMed 19920235.

NM_152594.3(SPRED1):c.1154del (p.Gly385fs)

Gene: SPRED1 (sprouty related EVH1 domain containing 1; plus strand). Cytogenetic location: 15q14.
Variant type: Deletion.
Coding change: c.1154del on transcript NM_152594.3 (MANE Select); coding-DNA position 1154, one base deleted (G; older notation c.1154delG).
Protein change: p.Gly385fs; shifts the reading frame from glycine 385.
Molecular consequence: frameshift variant.
Genome position (GRCh38, 1-based): chr15:38,351,483, G deleted; the last of 3 consecutive G bases (chr15:38,351,481-38,351,483); deleting any one gives the same sequence. VCF-style (leftmost placement, unchanged base first): chr15-38351480-AG-A. GRCh37 (hg19) VCF-style: chr15-38643681-AG-A.
Other names: short protein forms G385fs.
Identifiers: ClinVar variation 3656680 (VCV003656680.2).